The following is an entry in ClinVar:

ClinVar aggregate classification (germline): Uncertain significance (1 of 4 stars; one submission).

Conditions:
Primary ciliary dyskinesia. Also called: Ciliary dyskinesia. Identifiers: Orphanet 244, MedGen C0008780, MONDO:0016575, HP:0012265.

gnomAD v4.1: 3 of 1,613,938 alleles (0.00019%); highest among the groups gnomAD compares: Non-Finnish European, 0.00025%; no homozygotes.

Submission:

Labcorp Genetics (formerly Invitae), Labcorp
Classification: Uncertain significance for Primary ciliary dyskinesia. Last evaluated: 2025-12-29. Review status: criteria provided, single submitter. Criteria: Invitae Variant Classification Sherloc (09022015). Collection method: clinical testing. Allele origin: germline.
Comment: This sequence change replaces tryptophan, which is neutral and slightly polar, with glycine, which is neutral and non-polar, at codon 3943 of the DNAH5 protein (p.Trp3943Gly). This variant is not present in population databases (gnomAD no frequency). This missense change has been observed in individual(s) with primary ciliary dyskinesia (internal data). In at least one individual the data is consistent with being in trans (on the opposite chromosome) from a pathogenic variant. Invitae Evidence Modeling of protein sequence and biophysical properties (such as structural, functional, and spatial information, amino acid conservation, physicochemical variation, residue mobility, and thermodynamic stability) has been performed for this missense variant. However, the output from this modeling did not meet the statistical confidence thresholds required to predict the impact of this variant on DNAH5 protein function. In summary, the available evidence is currently insufficient to determine the role of this variant in disease. Therefore, it has been classified as a Variant of Uncertain Significance.

NM_001369.3(DNAH5):c.11827T>G (p.Trp3943Gly)

Gene: DNAH5 (dynein axonemal heavy chain 5; minus strand). Cytogenetic location: 5p15.2.
Variant type: single nucleotide variant.
Coding change: c.11827T>G on transcript NM_001369.3 (MANE Select); coding-DNA position 11827, T replaced by G.
Protein change: p.Trp3943Gly; replaces tryptophan 3943 with glycine.
Molecular consequence: missense variant.
Genome position (GRCh38, 1-based): chr5:13,729,495, A>C on the plus strand (T>G on the coding strand, the complement: DNAH5 is on the minus strand). VCF-style: chr5-13729495-A-C. GRCh37 (hg19) VCF-style: chr5-13729604-A-C.
Other names: short protein forms W3943G.
Identifiers: ClinVar variation 4702905 (VCV004702905.1).
Genomic context (GRCh38, chr5:13,729,495, plus strand): 5'-TTACCTGGTCAAGGACATCTGAAAACTGTCTGAGTTTGCTAAGTTCCACCAAATTCAGCC[A>C]TGTTATGTCCAGGATCCATTTTGATGGTTTTGGAGGACAAGCTTTAAGGTCTAATGAGGC-3'
Protein context (NP_001360.1, residues 3933-3953): KPSKWILDIT[Trp3943Gly]LNLVELSKLR